The following is an entry in ClinVar:

NM_001364857.2(ADGRB2):c.3313C>T (p.Arg1105Cys)

Gene: ADGRB2 (adhesion G protein-coupled receptor B2; minus strand). Cytogenetic location: 1p35.2.
Variant type: single nucleotide variant.
Coding change: c.3313C>T on transcript NM_001364857.2 (MANE Select); coding-DNA position 3313, C replaced by T.
Protein change: p.Arg1105Cys; replaces arginine 1105 with cysteine.
Molecular consequence: missense variant.
Genome position (GRCh38, 1-based): chr1:31,735,620, G>A on the plus strand (C>T on the coding strand, the complement: ADGRB2 is on the minus strand). VCF-style: chr1-31735620-G-A. GRCh37 (hg19) VCF-style: chr1-32201221-G-A.
Other names: c.3313C>T, p.Arg1105Cys (NM_001294335.2, NM_001294336.2, NM_001703.2); short protein forms R1105C.
Identifiers: ClinVar variation 2366496 (VCV002366496.6), dbSNP rs760443752, ClinGen allele CA735365.

ClinVar aggregate classification (germline): Uncertain significance. Review status: criteria provided, multiple submitters, no conflicts (2 of 4 stars). 2 submissions from 2 submitters: Uncertain significance (2). Last evaluated 2025-02-27.

Allele frequency attached by ClinVar (database versions not stated): ExAC 0.00002; TOPMed 0.00002; gnomAD 0.00004; gnomAD exomes 0.00004.
gnomAD v4.1: 62 of 1,613,266 alleles (0.0038%); highest among the groups gnomAD compares: Non-Finnish European, 0.0047%; no homozygotes.

Submissions (2):

Ambry Genetics
Classification: Uncertain significance. Last evaluated: 2025-02-27. Review status: criteria provided, single submitter. Criteria: Ambry Variant Classification Scheme 2023. Collection method: clinical testing. Allele origin: germline.

Labcorp Genetics (formerly Invitae), Labcorp
Classification: Uncertain significance. Last evaluated: 2024-08-14. Review status: criteria provided, single submitter. Criteria: Invitae Variant Classification Sherloc (09022015). Collection method: clinical testing. Allele origin: germline.
Comment: This sequence change replaces arginine, which is basic and polar, with cysteine, which is neutral and slightly polar, at codon 1105 of the ADGRB2 protein (p.Arg1105Cys). This variant is present in population databases (rs760443752, gnomAD 0.004%). This variant has not been reported in the literature in individuals affected with ADGRB2-related conditions. ClinVar contains an entry for this variant (Variation ID: 2366496). An algorithm developed to predict the effect of missense changes on protein structure and function (PolyPhen-2) suggests that this variant is likely to be tolerated. In summary, the available evidence is currently insufficient to determine the role of this variant in disease. Therefore, it has been classified as a Variant of Uncertain Significance.